The following is an entry in ClinVar:

NM_138694.4(PKHD1):c.1623_1626dup (p.Leu543fs)

Gene: PKHD1 (PKHD1 ciliary IPT domain containing fibrocystin/polyductin; minus strand). Cytogenetic location: 6p12.2.
Variant type: Duplication.
Coding change: c.1623_1626dup on transcript NM_138694.4 (MANE Select); coding-DNA positions 1623 to 1626, 4 bases duplicated (GTTA; older notation c.1623_1626dupGTTA).
Protein change: p.Leu543fs; shifts the reading frame from leucine 543.
Molecular consequence: frameshift variant.
Genome position (GRCh38, 1-based): chr6:52,056,765-52,056,768, TAAC duplicated on the plus strand (GTTA on the coding strand, the reverse complement: PKHD1 is on the minus strand); duplicating any 4 consecutive bases within chr6:52,056,765-52,056,769 gives the same sequence; the c. name uses the placement nearest the transcript's 3' end. VCF-style (leftmost placement, unchanged base first): chr6-52056764-G-GTAAC. GRCh37 (hg19) VCF-style: chr6-51921562-G-GTAAC.
Other names: c.1623_1626dup, p.Leu543fs (NM_170724.3); c.1623_1626dupGTTA (NM_138694.3); short protein forms L543fs.
Identifiers: ClinVar variation 550767 (VCV000550767.4), dbSNP rs1554216499, ClinGen allele CA658821299.

ClinVar aggregate classification (germline): Pathogenic/Likely pathogenic. Review status: criteria provided, multiple submitters, no conflicts (2 of 4 stars). 3 submissions from 3 submitters: Pathogenic (1); Likely pathogenic (1). 1 of the submissions does not count toward it. Last evaluated 2024-02-23.

Conditions:
Autosomal recessive polycystic kidney disease (ARPKD). Also called: AR polycystic kidney disease. Identifiers: Orphanet 731, Orphanet 8378, MedGen C0085548, MeSH D017044, MONDO:0009889.
Polycystic kidney disease 4 (PKD4). Also called: POLYCYSTIC KIDNEY DISEASE 4 WITH OR WITHOUT POLYCYSTIC LIVER DISEASE; POLYCYSTIC KIDNEY AND HEPATIC DISEASE 1; POLYCYSTIC KIDNEY DISEASE, INFANTILE, TYPE I; PKD3; Autosomal Recessive Polycystic Kidney Disease – PKHD1. Identifiers: MedGen C4540575, MONDO:0033004, OMIM 263200.

Submissions (3):

Natera, Inc.
Classification: Likely pathogenic for Autosomal recessive polycystic kidney disease. Last evaluated: 2024-02-23. Review status: criteria provided, single submitter. Criteria: Natera Variant Classification Schema (03/2026). Collection method: clinical testing. Allele origin: germline.
Comment: The c.1623_1626dupGTTA variant in PKHD1 is a frameshift variant predicted to shift the reading frame beginning at codon 543 and leads to a stop codon 14 codons downstream. This variant is expected to result in nonsense mediated decay, truncation, or a dysfunctional protein product. This variant is rare in the general population with a frequency below the threshold expected for the associated phenotype(s). Given the available evidence, this variant is classified as Likely Pathogenic.

Baylor Genetics
Classification: Pathogenic for Polycystic kidney disease 4. Last evaluated: 2023-08-05. Review status: criteria provided, single submitter. Criteria: ACMG Guidelines, 2015. Collection method: clinical testing. Allele origin: unknown.

Counsyl
Classification: Likely pathogenic for Polycystic kidney disease 4. Last evaluated: 2017-02-16. Review status: no assertion criteria provided. Collection method: clinical testing. Allele origin: unknown. Not counted in ClinVar's aggregate classification.

Literature cited by the submitters: PubMed 11898128 (cited by Counsyl).